The following is an entry in ClinVar:

NM_173494.2(DNAAF6):c.217G>A (p.Glu73Lys)

Gene: DNAAF6 (dynein axonemal assembly factor 6; plus strand). Cytogenetic location: Xq22.3.
Variant type: single nucleotide variant.
Coding change: c.217G>A on transcript NM_173494.2 (MANE Select); coding-DNA position 217, G replaced by A.
Protein change: p.Glu73Lys; replaces glutamic acid 73 with lysine.
Molecular consequence: missense variant.
Genome position (GRCh38, 1-based): chrX:107,216,734, G>A. VCF-style: chrX-107216734-G-A. GRCh37 (hg19) VCF-style: chrX-106459964-G-A.
Other names: c.217G>A, p.Glu73Lys (NM_001169154.2); short protein forms E73K.
Identifiers: ClinVar variation 2025442 (VCV002025442.4), dbSNP rs752698098, ClinGen allele CA10484629.

ClinVar aggregate classification (germline): Uncertain significance (1 of 4 stars; one submission).

Allele frequency attached by ClinVar (database versions not stated): gnomAD exomes 0.00001; TOPMed 0.00001; ExAC 0.00003.
gnomAD v4.1: 14 of 1,183,770 alleles (0.0012%); highest among the groups gnomAD compares: Non-Finnish European, 0.0013%; no homozygotes.

Submission:

Labcorp Genetics (formerly Invitae), Labcorp
Classification: Uncertain significance. Last evaluated: 2022-08-21. Review status: criteria provided, single submitter. Criteria: Invitae Variant Classification Sherloc (09022015). Collection method: clinical testing. Allele origin: germline.
Comment: In summary, the available evidence is currently insufficient to determine the role of this variant in disease. Therefore, it has been classified as a Variant of Uncertain Significance. Algorithms developed to predict the effect of missense changes on protein structure and function are either unavailable or do not agree on the potential impact of this missense change (SIFT: "Deleterious"; PolyPhen-2: "Benign"; Align-GVGD: "Class C15"). This variant has not been reported in the literature in individuals affected with PIH1D3-related conditions. This variant is present in population databases (rs752698098, gnomAD 0.003%). This sequence change replaces glutamic acid, which is acidic and polar, with lysine, which is basic and polar, at codon 73 of the PIH1D3 protein (p.Glu73Lys).